The following is an entry in ClinVar:

ClinVar aggregate classification (germline): Likely benign. Review status: criteria provided, multiple submitters, no conflicts (2 of 4 stars). 3 submissions from 3 submitters: Likely benign (3). Last evaluated 2025-12-17.

gnomAD v4.1: 1 of 1,196,144 alleles (0.000084%); highest among the groups gnomAD compares: East Asian, 0.003%; no homozygotes.

Submissions (3):

Labcorp Genetics (formerly Invitae), Labcorp
Classification: Likely benign. Last evaluated: 2025-12-17. Review status: criteria provided, single submitter. Criteria: Invitae Variant Classification Sherloc (09022015). Collection method: clinical testing. Allele origin: germline.

ARUP Laboratories, Molecular Genetics and Genomics, ARUP Laboratories
Classification: Likely benign. Last evaluated: 2025-07-21. Review status: criteria provided, single submitter. Criteria: ARUP Molecular Germline Variant Investigation Process 2024. Collection method: clinical testing. Allele origin: germline.

GeneDx
Classification: Likely benign. Last evaluated: 2015-12-08. Review status: criteria provided, single submitter. Criteria: GeneDx Variant Classification (06012015). Collection method: clinical testing. Allele origin: germline. Affected: yes.
Comment: This variant is considered likely benign or benign based on one or more of the following criteria: it is a conservative change, it occurs at a poorly conserved position in the protein, it is predicted to be benign by multiple in silico algorithms, and/or has population frequency not consistent with disease.

NM_000032.5(ALAS2):c.1395C>T (p.Gly465=)

Gene: ALAS2 (5'-aminolevulinate synthase 2; minus strand). Cytogenetic location: Xp11.21.
Variant type: single nucleotide variant.
Coding change: c.1395C>T on transcript NM_000032.5 (MANE Select); coding-DNA position 1395, C replaced by T.
Protein change: p.Gly465=; no amino-acid change (glycine 465 retained).
Molecular consequence: synonymous variant.
Genome position (GRCh38, 1-based): chrX:55,014,789, G>A on the plus strand (C>T on the coding strand, the complement: ALAS2 is on the minus strand). VCF-style: chrX-55014789-G-A. GRCh37 (hg19) VCF-style: chrX-55041222-G-A.
Other names: c.1395C>T, p.Gly465= (LRG_1163t1); c.1284C>T, p.Gly428= (NM_001037967.4); c.1356C>T, p.Gly452= (NM_001037968.4).
Identifiers: ClinVar variation 381509 (VCV000381509.3), dbSNP rs773075387, ClinGen allele CA16609199.